The following is an entry in ClinVar:

ClinVar aggregate classification (germline): Uncertain significance (1 of 4 stars; one submission).

gnomAD v4.1: 24 of 1,612,580 alleles (0.0015%); highest among the groups gnomAD compares: East Asian, 0.0022%; 1 homozygote.

Submission:

Labcorp Genetics (formerly Invitae), Labcorp
Classification: Uncertain significance. Last evaluated: 2024-08-12. Review status: criteria provided, single submitter. Criteria: Invitae Variant Classification Sherloc (09022015). Collection method: clinical testing. Allele origin: germline.
Comment: This sequence change replaces valine, which is neutral and non-polar, with methionine, which is neutral and non-polar, at codon 692 of the TRIM28 protein (p.Val692Met). This variant is present in population databases (no rsID available, gnomAD 0.0009%). This variant has not been reported in the literature in individuals affected with TRIM28-related conditions. Experimental studies and prediction algorithms are not available or were not evaluated, and the functional significance of this variant is currently unknown. In summary, the available evidence is currently insufficient to determine the role of this variant in disease. Therefore, it has been classified as a Variant of Uncertain Significance.

NM_005762.3(TRIM28):c.2074G>A (p.Val692Met)

Gene: TRIM28 (tripartite motif containing 28; plus strand). Cytogenetic location: 19q13.43.
Variant type: single nucleotide variant.
Coding change: c.2074G>A on transcript NM_005762.3 (MANE Select); coding-DNA position 2074, G replaced by A.
Protein change: p.Val692Met; replaces valine 692 with methionine.
Molecular consequence: missense variant.
Genome position (GRCh38, 1-based): chr19:58,549,828, G>A. VCF-style: chr19-58549828-G-A. GRCh37 (hg19) VCF-style: chr19-59061195-G-A.
Other names: short protein forms V692M.
Identifiers: ClinVar variation 3610216 (VCV003610216.2).
Genomic context (GRCh38, chr19:58,549,828, plus strand): 5'-CTCCCTGACCTGAAGGAGGAGGATGGCAGCCTCAGCCTGGATGGTGCAGACAGCACTGGC[G>A]TGGTGGCCAAGCTCTCACCAGCCAACCAGCGGGTGAGGGCTGGGGTTACTTAGGTGGGGT-3'
Protein context (NP_005753.1, residues 682-702): LSLDGADSTG[Val692Met]VAKLSPANQR